The following is an entry in ClinVar:

NM_020738.4(KIDINS220):c.3330C>T (p.Pro1110=)

Gene: KIDINS220 (kinase D interacting substrate 220; minus strand). Cytogenetic location: 2p25.1.
Variant type: single nucleotide variant.
Coding change: c.3330C>T on transcript NM_020738.4 (MANE Select); coding-DNA position 3330, C replaced by T.
Protein change: p.Pro1110=; no amino-acid change (proline 1110 retained).
Molecular consequence: synonymous variant. On other transcripts: non-coding transcript variant (2).
Genome position (GRCh38, 1-based): chr2:8,750,196, G>A on the plus strand (C>T on the coding strand, the complement: KIDINS220 is on the minus strand). VCF-style: chr2-8750196-G-A. GRCh37 (hg19) VCF-style: chr2-8890326-G-A.
Other names: c.3333C>T, p.Pro1111= (NM_001348729.2, NM_001348731.2, NM_001348734.2 and 2 more transcripts); c.3330C>T, p.Pro1110= (NM_001348732.2, NM_001348735.2, NM_001348738.2 and 3 more transcripts); c.3204C>T, p.Pro1068= (NM_001348736.2).
Identifiers: ClinVar variation 722175 (VCV000722175.32), dbSNP rs544771878, ClinGen allele CA1519699.

ClinVar aggregate classification (germline): Benign/Likely benign. Review status: criteria provided, multiple submitters, no conflicts (2 of 4 stars). 2 submissions from 2 submitters: Benign (1); Likely benign (1). Last evaluated 2025-10-17.

Allele frequency attached by ClinVar (database versions not stated): gnomAD below 0.00001 and 0.00018; TOPMed 0.00003; gnomAD exomes 0.00066; ExAC 0.00069; 1000 Genomes Project 30x 0.00094; 1000 Genomes Project 0.00120.
gnomAD v4.1: 454 of 1,614,190 alleles (0.028%); highest among the groups gnomAD compares: South Asian, 0.48%; 2 homozygotes.

Submissions (2):

Labcorp Genetics (formerly Invitae), Labcorp
Classification: Benign. Last evaluated: 2025-10-17. Review status: criteria provided, single submitter. Criteria: Invitae Variant Classification Sherloc (09022015). Collection method: clinical testing. Allele origin: germline.

CeGaT Center for Human Genetics Tuebingen
Classification: Likely benign. Last evaluated: 2024-01-01. Review status: criteria provided, single submitter. Criteria: CeGaT Center For Human Genetics Tuebingen Variant Classification Criteria Version 2. Collection method: clinical testing. Allele origin: germline. Affected: yes. Observed: 2 variant alleles.
Comment: KIDINS220: BP4, BP7